The following is an entry in ClinVar:

ClinVar aggregate classification (germline): Conflicting classifications of pathogenicity. Review status: criteria provided, conflicting classifications (1 of 4 stars). 2 submissions from 2 submitters: Pathogenic (1); Uncertain significance (1). Last evaluated 2025-04-28.

Conditions:
GLUT1 deficiency syndrome 1, autosomal recessive. Identifiers: MedGen C3149117.

Submissions (2):

GeneDx
Classification: Pathogenic. Last evaluated: 2025-04-28. Review status: criteria provided, single submitter. Criteria: GeneDx Variant Classification Process June 2021. Collection method: clinical testing. Allele origin: germline.
Comment: Identified in an individual with early onset absence epilepsy in published literature (PMID: 23106342); Not observed at significant frequency in large population cohorts (gnomAD); In silico analysis supports a deleterious effect on protein structure/function; In-frame deletion of 1 amino acids in a non-repeat region; This variant is associated with the following publications: (PMID: 26336901, 40220696, 38402011, 23106342)

Labcorp Genetics (formerly Invitae), Labcorp
Classification: Uncertain significance for GLUT1 deficiency syndrome 1, autosomal recessive. Last evaluated: 2022-03-26. Review status: criteria provided, single submitter. Criteria: Invitae Variant Classification Sherloc (09022015). Collection method: clinical testing. Allele origin: germline.
Comment: In summary, the available evidence is currently insufficient to determine the role of this variant in disease. Therefore, it has been classified as a Variant of Uncertain Significance. Experimental studies and prediction algorithms are not available or were not evaluated, and the functional significance of this variant is currently unknown. This variant has been observed in individual(s) with glucose transporter type 1 deficiency syndrome (PMID: 23106342, 26336901). This variant is not present in population databases (gnomAD no frequency). This variant, c.1134_1136del, results in the deletion of 1 amino acid(s) of the SLC2A1 protein (p.Phe379del), but otherwise preserves the integrity of the reading frame.

Literature cited by the submitters: PubMed 23106342 (cited by Labcorp Genetics (formerly Invitae), Labcorp); PubMed 26336901 (cited by Labcorp Genetics (formerly Invitae), Labcorp).

NM_006516.4(SLC2A1):c.1131CTT[1] (p.Phe379del)

Gene: SLC2A1 (solute carrier family 2 member 1; minus strand). Cytogenetic location: 1p34.2.
Variant type: Microsatellite.
Coding change: c.1131CTT[1] on transcript NM_006516.4 (MANE Select); one copy of the 3-base unit CTT starting at c.1131; the reference has two copies in a row; one copy, 3 bases deleted; also written c.1134_1136del.
Protein change: p.Phe379del; deletes phenylalanine 379.
Molecular consequence: inframe deletion.
Genome position (GRCh38, 1-based): chr1:42,927,747-42,927,749, AAG deleted on the plus strand (CTT on the coding strand, the reverse complement: SLC2A1 is on the minus strand); deleting any 3 consecutive bases within chr1:42,927,747-42,927,752 gives the same sequence; the position shown is the placement nearest the transcript's 3' end. VCF-style (leftmost placement, unchanged base first): chr1-42927746-AAAG-A. GRCh37 (hg19) VCF-style: chr1-43393417-AAAG-A.
Other names: c.1134_1136del (NM_006516.2); short protein forms F379del.
Identifiers: ClinVar variation 2054084 (VCV002054084.6), dbSNP rs2524984781, ClinGen allele CA2580611160.